The following is an entry in ClinVar:

NM_177438.3(DICER1):c.3659A>C (p.Gln1220Pro)

Gene: DICER1 (dicer 1, ribonuclease III; minus strand). Cytogenetic location: 14q32.13.
Variant type: single nucleotide variant.
Coding change: c.3659A>C on transcript NM_177438.3 (MANE Select); coding-DNA position 3659, A replaced by C.
Protein change: p.Gln1220Pro; replaces glutamine 1220 with proline.
Molecular consequence: missense variant.
Genome position (GRCh38, 1-based): chr14:95,103,737, T>G on the plus strand (A>C on the coding strand, the complement: DICER1 is on the minus strand). VCF-style: chr14-95103737-T-G. GRCh37 (hg19) VCF-style: chr14-95570074-T-G.
Other names: c.3659A>C, p.Gln1220Pro (NM_001195573.1, NM_001271282.3, NM_001291628.2 and 1 more transcripts); short protein forms Q1220P.
Identifiers: ClinVar variation 543594 (VCV000543594.12), dbSNP rs776020604, ClinGen allele CA7331011.

ClinVar aggregate classification (germline): Uncertain significance. Review status: criteria provided, multiple submitters, no conflicts (2 of 4 stars). 2 submissions from 2 submitters: Uncertain significance (2). Last evaluated 2023-04-07.

Conditions:
Hereditary cancer-predisposing syndrome. Also called: Neoplastic Syndromes, Hereditary; Tumor predisposition; Hereditary Cancer Syndrome; Hereditary neoplastic syndrome. Identifiers: Orphanet 140162, MedGen C0027672, MeSH D009386, MONDO:0015356.
DICER1-related tumor predisposition. Also called: DICER1-related pleuropulmonary blastoma cancer predisposition syndrome; DICER1 syndrome. Identifiers: Orphanet 284343, MedGen C3839822, MONDO:0100216.

Allele frequency attached by ClinVar (database versions not stated): gnomAD exomes 0.00001 and 0.00002; ExAC 0.00003.
gnomAD v4.1: 7 of 1,614,232 alleles (0.00043%); highest among the groups gnomAD compares: Non-Finnish European, 0.00059%; no homozygotes.

Submissions (2):

Labcorp Genetics (formerly Invitae), Labcorp
Classification: Uncertain significance for DICER1-related tumor predisposition. Last evaluated: 2023-04-07. Review status: criteria provided, single submitter. Criteria: Invitae Variant Classification Sherloc (09022015). Collection method: clinical testing. Allele origin: germline.
Comment: In summary, the available evidence is currently insufficient to determine the role of this variant in disease. Therefore, it has been classified as a Variant of Uncertain Significance. Advanced modeling of protein sequence and biophysical properties (such as structural, functional, and spatial information, amino acid conservation, physicochemical variation, residue mobility, and thermodynamic stability) performed at Invitae indicates that this missense variant is not expected to disrupt DICER1 protein function. ClinVar contains an entry for this variant (Variation ID: 543594). This variant has not been reported in the literature in individuals affected with DICER1-related conditions. This variant is present in population databases (rs776020604, gnomAD 0.004%). This sequence change replaces glutamine, which is neutral and polar, with proline, which is neutral and non-polar, at codon 1220 of the DICER1 protein (p.Gln1220Pro).

Ambry Genetics
Classification: Uncertain significance for Hereditary cancer-predisposing syndrome. Last evaluated: 2021-03-17. Review status: criteria provided, single submitter. Criteria: Ambry Variant Classification Scheme 2023. Collection method: clinical testing. Allele origin: germline.
Comment: The p.Q1220P variant (also known as c.3659A>C), located in coding exon 20 of the DICER1 gene, results from an A to C substitution at nucleotide position 3659. The glutamine at codon 1220 is replaced by proline, an amino acid with similar properties. This amino acid position is highly conserved in available vertebrate species. In addition, this alteration is predicted to be deleterious by in silico analysis. Since supporting evidence is limited at this time, the clinical significance of this alteration remains unclear.